The following is an entry in ClinVar:

ClinVar aggregate classification (germline): Uncertain significance (1 of 4 stars; one submission).

Submission:

GeneDx
Classification: Uncertain significance. Last evaluated: 2019-05-22. Review status: criteria provided, single submitter. Criteria: GeneDx Variant Classification Process June 2021. Collection method: clinical testing. Allele origin: germline. Affected: yes.
Comment: Not observed in large population cohorts (Lek et al., 2016); In silico analysis, which includes protein predictors and evolutionary conservation, supports a deleterious effect; Has not been previously published as pathogenic or benign to our knowledge

NM_000051.4(ATM):c.6550A>T (p.Ser2184Cys)

Genes: ATM (ATM serine/threonine kinase; plus strand), C11orf65 (chromosome 11 open reading frame 65; minus strand). Cytogenetic location: 11q22.3.
Variant type: single nucleotide variant.
Coding change: c.6550A>T on transcript NM_000051.4 (MANE Select); coding-DNA position 6550, A replaced by T.
Protein change: p.Ser2184Cys; replaces serine 2184 with cysteine.
Molecular consequence: missense variant. On other transcripts: intron variant (2).
Genome position (GRCh38, 1-based): chr11:108,321,398, A>T. VCF-style: chr11-108321398-A-T. GRCh37 (hg19) VCF-style: chr11-108192125-A-T.
Other names: c.6550A>T, p.Ser2184Cys (NM_001351834.2); c.641-12327T>A (NM_001330368.2); c.*39-12327T>A (NM_001351110.2); short protein forms S2184C.
Identifiers: ClinVar variation 1306145 (VCV001306145.4), dbSNP rs764713766, ClinGen allele CA382554334.